The following is an entry in ClinVar:

NM_020207.7(ERCC6L2):c.2554G>A (p.Asp852Asn)

Gene: ERCC6L2 (ERCC excision repair 6 like 2; plus strand). Cytogenetic location: 9q22.32.
Variant type: single nucleotide variant.
Coding change: c.2554G>A on transcript NM_020207.7 (MANE Select); coding-DNA position 2554, G replaced by A.
Protein change: p.Asp852Asn; replaces aspartic acid 852 with asparagine.
Molecular consequence: missense variant. On other transcripts: non-coding transcript variant (1).
Genome position (GRCh38, 1-based): chr9:95,972,305, G>A. VCF-style: chr9-95972305-G-A. GRCh37 (hg19) VCF-style: chr9-98734587-G-A.
Other names: c.2554G>A, p.Asp852Asn (NM_001375291.1, NM_001375292.1, NM_001375293.1 and 1 more transcripts); c.2587G>A (NM_020207.4); short protein forms D852N.
Identifiers: ClinVar variation 1486597 (VCV001486597.7), dbSNP rs547350290, ClinGen allele CA196597437.

ClinVar aggregate classification (germline): Uncertain significance. Review status: criteria provided, multiple submitters, no conflicts (2 of 4 stars). 2 submissions from 2 submitters: Uncertain significance (2). Last evaluated 2026-01-22.

Conditions:
ERCC6L2-related disorder. Also called: ERCC6L2-related condition.

Allele frequency attached by ClinVar (database versions not stated): gnomAD exomes below 0.00001 and 0.00001; gnomAD 0.00005; TOPMed 0.00005; 1000 Genomes Project 30x 0.00016; 1000 Genomes Project 0.00020.
gnomAD v4.1: 12 of 1,296,108 alleles (0.00093%); highest among the groups gnomAD compares: African/African-American, 0.017%; no homozygotes.

Submissions (2):

Labcorp Genetics (formerly Invitae), Labcorp
Classification: Uncertain significance. Last evaluated: 2026-01-22. Review status: criteria provided, single submitter. Criteria: Invitae Variant Classification Sherloc (09022015). Collection method: clinical testing. Allele origin: germline.
Comment: This sequence change replaces aspartic acid, which is acidic and polar, with asparagine, which is neutral and polar, at codon 863 of the ERCC6L2 protein (p.Asp863Asn). This variant is present in population databases (rs547350290, gnomAD 0.02%). This variant has not been reported in the literature in individuals affected with ERCC6L2-related conditions. ClinVar contains an entry for this variant (Variation ID: 1486597). Experimental studies and prediction algorithms are not available or were not evaluated, and the functional significance of this variant is currently unknown. In summary, the available evidence is currently insufficient to determine the role of this variant in disease. Therefore, it has been classified as a Variant of Uncertain Significance.

PreventionGenetics, part of Exact Sciences
Classification: Uncertain significance for ERCC6L2-related condition. Last evaluated: 2023-06-21. Review status: criteria provided, single submitter. Criteria: ACMG Guidelines, 2015. Collection method: clinical testing. Allele origin: germline.
Comment: The ERCC6L2 c.2587G>A variant is predicted to result in the amino acid substitution p.Asp863Asn. To our knowledge, this variant has not been reported in the literature. This variant is reported in 0.015% of alleles in individuals of African descent in gnomAD. At this time, the clinical significance of this variant is uncertain due to the absence of conclusive functional and genetic evidence.